The following is an entry in ClinVar:

NM_022114.4(PRDM16):c.934G>T (p.Asp312Tyr)

Gene: PRDM16 (PR/SET domain 16; plus strand). Cytogenetic location: 1p36.32.
Variant type: single nucleotide variant.
Coding change: c.934G>T on transcript NM_022114.4 (MANE Select); coding-DNA position 934, G replaced by T.
Protein change: p.Asp312Tyr; replaces aspartic acid 312 with tyrosine.
Molecular consequence: missense variant.
Genome position (GRCh38, 1-based): chr1:3,404,788, G>T. VCF-style: chr1-3404788-G-T. GRCh37 (hg19) VCF-style: chr1-3321352-G-T.
Other names: c.934G>T, p.Asp312Tyr (NM_199454.3); short protein forms D312Y.
Identifiers: ClinVar variation 1403034 (VCV001403034.8), dbSNP rs191798831, ClinGen allele CA338004703.

ClinVar aggregate classification (germline): Uncertain significance (1 of 4 stars; one submission).

Conditions:
Left ventricular noncompaction 8 (LVNC8). Identifiers: Orphanet 154, Orphanet 54260, MedGen C3809288, MONDO:0014152, OMIM 615373.

gnomAD v4.1: 4 of 1,613,614 alleles (0.00025%); highest among the groups gnomAD compares: Middle Eastern, 0.017%; no homozygotes.

Submission:

Labcorp Genetics (formerly Invitae), Labcorp
Classification: Uncertain significance for Left ventricular noncompaction 8. Last evaluated: 2021-04-24. Review status: criteria provided, single submitter. Criteria: Invitae Variant Classification Sherloc (09022015). Collection method: clinical testing. Allele origin: germline.
Comment: In summary, the available evidence is currently insufficient to determine the role of this variant in disease. Therefore, it has been classified as a Variant of Uncertain Significance. Algorithms developed to predict the effect of missense changes on protein structure and function are either unavailable or do not agree on the potential impact of this missense change (SIFT: "Tolerated"; PolyPhen-2: "Probably Damaging"; Align-GVGD: "Class C0"). This variant has not been reported in the literature in individuals with PRDM16-related conditions. This variant is not present in population databases (ExAC no frequency). This sequence change replaces aspartic acid with tyrosine at codon 312 of the PRDM16 protein (p.Asp312Tyr). The aspartic acid residue is moderately conserved and there is a large physicochemical difference between aspartic acid and tyrosine.